The following is an entry in ClinVar:

ClinVar aggregate classification (germline): Uncertain significance. Review status: criteria provided, single submitter (1 of 4 stars). 2 submissions from 2 submitters: Uncertain significance (1). 1 of the submissions does not count toward it. Last evaluated 2022-08-16.

Conditions:
Zellweger spectrum disorders (ZS). Also called: Zellweger syndrome; Zellweger Spectrum Disorder; Zellweger Spectrum; Zellweger Spectrum Disorder (ZSD). Identifiers: Orphanet 912, MedGen C0043459, MONDO:0019609.
Peroxisome biogenesis disorder, complementation group 7 (CG7). Also called: Peroxisome biogenesis disorder, complementation group B. Identifiers: MedGen C1864399.

Allele frequency attached by ClinVar (database versions not stated): gnomAD 0.00001; gnomAD exomes 0.00002 and 0.00003; ExAC 0.00003.
gnomAD v4.1: 50 of 1,612,304 alleles (0.0031%); highest among the groups gnomAD compares: Non-Finnish European, 0.0038%; no homozygotes.

Submissions (2):

Labcorp Genetics (formerly Invitae), Labcorp
Classification: Uncertain significance for Peroxisome biogenesis disorder, complementation group 7. Last evaluated: 2022-08-16. Review status: criteria provided, single submitter. Criteria: Invitae Variant Classification Sherloc (09022015). Collection method: clinical testing. Allele origin: germline.
Comment: This sequence change replaces valine, which is neutral and non-polar, with isoleucine, which is neutral and non-polar, at codon 166 of the PEX10 protein (p.Val166Ile). This variant is present in population databases (rs368864383, gnomAD 0.004%). This variant has not been reported in the literature in individuals affected with PEX10-related conditions. ClinVar contains an entry for this variant (Variation ID: 1051245). Algorithms developed to predict the effect of missense changes on protein structure and function output the following: SIFT: "Tolerated"; PolyPhen-2: "Benign"; Align-GVGD: "Class C0". The isoleucine amino acid residue is found in multiple mammalian species, which suggests that this missense change does not adversely affect protein function. In summary, the available evidence is currently insufficient to determine the role of this variant in disease. Therefore, it has been classified as a Variant of Uncertain Significance.

Natera, Inc.
Classification: Uncertain significance for Zellweger syndrome. Last evaluated: 2020-03-25. Review status: no assertion criteria provided. Collection method: clinical testing. Allele origin: germline. Not counted in ClinVar's aggregate classification.

NM_002617.4(PEX10):c.496G>A (p.Val166Ile)

Gene: PEX10 (peroxisomal biogenesis factor 10; minus strand). Cytogenetic location: 1p36.32.
Variant type: single nucleotide variant.
Coding change: c.496G>A on transcript NM_002617.4 (MANE Select); coding-DNA position 496, G replaced by A.
Protein change: p.Val166Ile; replaces valine 166 with isoleucine.
Molecular consequence: missense variant. On other transcripts: non-coding transcript variant (1).
Genome position (GRCh38, 1-based): chr1:2,408,556, C>T on the plus strand (G>A on the coding strand, the complement: PEX10 is on the minus strand). VCF-style: chr1-2408556-C-T. GRCh37 (hg19) VCF-style: chr1-2339995-C-T.
Other names: c.496G>A, p.Val166Ile (NM_001374425.1, NM_153818.2); c.64G>A, p.Val22Ile (NM_001374426.1, NM_001374427.1); short protein forms V166I, V22I.
Identifiers: ClinVar variation 1051245 (VCV001051245.3), dbSNP rs368864383, ClinGen allele CA538153.